The following is an entry in ClinVar:

NM_016169.4(SUFU):c.1309G>A (p.Glu437Lys)

Gene: SUFU (SUFU negative regulator of hedgehog signaling; plus strand). Cytogenetic location: 10q24.32.
Variant type: single nucleotide variant.
Coding change: c.1309G>A on transcript NM_016169.4 (MANE Select); coding-DNA position 1309, G replaced by A.
Protein change: p.Glu437Lys; replaces glutamic acid 437 with lysine.
Molecular consequence: missense variant.
Genome position (GRCh38, 1-based): chr10:102,627,187, G>A. VCF-style: chr10-102627187-G-A. GRCh37 (hg19) VCF-style: chr10-104386944-G-A.
Other names: short protein forms E437K.
Identifiers: ClinVar variation 620602 (VCV000620602.10), dbSNP rs766370528, ClinGen allele CA5667979.

ClinVar aggregate classification (germline): Conflicting classifications of pathogenicity. Review status: criteria provided, conflicting classifications (1 of 4 stars). 4 submissions from 4 submitters: Uncertain significance (3); Likely benign (1). Last evaluated 2025-12-03.

Conditions:
Medulloblastoma (MDB). Also called: MEDULLOBLASTOMA PREDISPOSITION SYNDROME; Medulloblastoma, somatic. Identifiers: Orphanet 616, MedGen C0025149, MeSH D008527, MONDO:0007959, OMIM 155255, HP:0002885.
Gorlin syndrome. Also called: Basal cell nevus syndrome; Nevoid Basal Cell Carcinoma Syndrome. Identifiers: Orphanet 377, MedGen C0004779, MONDO:0007187.
B Lymphoblastic Leukemia/Lymphoma, Not Otherwise Specified. Identifiers: MedGen C2698310.
Hereditary cancer-predisposing syndrome. Also called: Tumor predisposition; Neoplastic Syndromes, Hereditary; Hereditary Cancer Syndrome; Hereditary neoplastic syndrome. Identifiers: Orphanet 140162, MedGen C0027672, MeSH D009386, MONDO:0015356.
Familial meningioma. Also called: Meningioma, familial, susceptibility to. Identifiers: Orphanet 263662, MedGen C3551915, MONDO:0011789, OMIM 607174.

Allele frequency attached by ClinVar (database versions not stated): ExAC 0.00001; gnomAD 0.00001; gnomAD exomes 0.00001 and 0.00002.
gnomAD v4.1: 14 of 1,614,106 alleles (0.00087%); highest among the groups gnomAD compares: Admixed American, 0.0067%; no homozygotes.

Submissions (4):

Labcorp Genetics (formerly Invitae), Labcorp
Classification: Uncertain significance for Gorlin syndrome; Medulloblastoma. Last evaluated: 2025-12-03. Review status: criteria provided, single submitter. Criteria: Invitae Variant Classification Sherloc (09022015). Collection method: clinical testing. Allele origin: germline.
Comment: This sequence change replaces glutamic acid, which is acidic and polar, with lysine, which is basic and polar, at codon 437 of the SUFU protein (p.Glu437Lys). This variant is present in population databases (rs766370528, gnomAD 0.01%). This variant has not been reported in the literature in individuals affected with SUFU-related conditions. ClinVar contains an entry for this variant (Variation ID: 620602). Invitae Evidence Modeling of protein sequence and biophysical properties (such as structural, functional, and spatial information, amino acid conservation, physicochemical variation, residue mobility, and thermodynamic stability) indicates that this missense variant is not expected to disrupt SUFU protein function with a negative predictive value of 80%. In summary, the available evidence is currently insufficient to determine the role of this variant in disease. Therefore, it has been classified as a Variant of Uncertain Significance.

Ambry Genetics
Classification: Likely benign for Hereditary cancer-predisposing syndrome. Last evaluated: 2023-09-18. Review status: criteria provided, single submitter. Criteria: Ambry Variant Classification Scheme 2023. Collection method: clinical testing. Allele origin: germline.

Baylor Genetics
Classification: Uncertain significance for Familial meningioma. Last evaluated: 2023-05-11. Review status: criteria provided, single submitter. Criteria: ACMG Guidelines, 2015. Collection method: clinical testing. Allele origin: unknown.

St. Jude Molecular Pathology, St. Jude Children's Research Hospital
Classification: Uncertain significance for B Lymphoblastic Leukemia/Lymphoma, Not Otherwise Specified. Last evaluated: 2016-04-27. Review status: criteria provided, single submitter. Criteria: ACMG Guidelines, 2015. Collection method: clinical testing. Allele origin: germline. Affected: yes.